The following is an entry in ClinVar:

ClinVar aggregate classification (germline): Conflicting classifications of pathogenicity. Review status: criteria provided, conflicting classifications (1 of 4 stars). 2 submissions from 2 submitters: Uncertain significance (1); Likely benign (1). Last evaluated 2025-01-23.

Conditions:
Hereditary cancer-predisposing syndrome. Also called: Neoplastic Syndromes, Hereditary; Tumor predisposition; Hereditary Cancer Syndrome; Hereditary neoplastic syndrome. Identifiers: Orphanet 140162, MedGen C0027672, MeSH D009386, MONDO:0015356.

Submissions (2):

Ambry Genetics
Classification: Likely benign for Hereditary cancer-predisposing syndrome. Last evaluated: 2025-01-23. Review status: criteria provided, single submitter. Criteria: Ambry Variant Classification Scheme 2023. Collection method: clinical testing. Allele origin: germline.

Labcorp Genetics (formerly Invitae), Labcorp
Classification: Uncertain significance. Last evaluated: 2024-07-19. Review status: criteria provided, single submitter. Criteria: Invitae Variant Classification Sherloc (09022015). Collection method: clinical testing. Allele origin: germline.
Comment: This sequence change replaces glutamic acid, which is acidic and polar, with aspartic acid, which is acidic and polar, at codon 1185 of the POLE protein (p.Glu1185Asp). This variant is not present in population databases (gnomAD no frequency). This variant has not been reported in the literature in individuals affected with POLE-related conditions. ClinVar contains an entry for this variant (Variation ID: 1732624). Advanced modeling of protein sequence and biophysical properties (such as structural, functional, and spatial information, amino acid conservation, physicochemical variation, residue mobility, and thermodynamic stability) performed at Invitae indicates that this missense variant is not expected to disrupt POLE protein function with a negative predictive value of 80%. In summary, the available evidence is currently insufficient to determine the role of this variant in disease. Therefore, it has been classified as a Variant of Uncertain Significance.

NM_006231.4(POLE):c.3555G>C (p.Glu1185Asp)

Gene: POLE (DNA polymerase epsilon, catalytic subunit; minus strand). Cytogenetic location: 12q24.33.
Variant type: single nucleotide variant.
Coding change: c.3555G>C on transcript NM_006231.4 (MANE Select); coding-DNA position 3555, G replaced by C.
Protein change: p.Glu1185Asp; replaces glutamic acid 1185 with aspartic acid.
Molecular consequence: missense variant.
Genome position (GRCh38, 1-based): chr12:132,657,163, C>G on the plus strand (G>C on the coding strand, the complement: POLE is on the minus strand). VCF-style: chr12-132657163-C-G. GRCh37 (hg19) VCF-style: chr12-133233749-C-G.
Other names: short protein forms E1185D.
Identifiers: ClinVar variation 1732624 (VCV001732624.8), dbSNP rs2042561671, ClinGen allele CA387388374.